The following is an entry in ClinVar:

NM_000551.4(VHL):c.340+658A>G

Genes: VHL (von Hippel-Lindau tumor suppressor; plus strand), LOC107303340 (3p25 von Hippel-Lindau tumor suppressor, E3 ubiquitin protein ligase Alu-mediated recombination region; plus strand). Cytogenetic location: 3p25.3.
Variant type: single nucleotide variant.
Coding change: c.340+658A>G on transcript NM_000551.4 (MANE Select); 658 bases into the intron after coding-DNA position 340, A replaced by G.
Molecular consequence: intron variant. On other transcripts: synonymous variant (1), non-coding transcript variant (1).
Genome position (GRCh38, 1-based): chr3:10,142,845, A>G. VCF-style: chr3-10142845-A-G. GRCh37 (hg19) VCF-style: chr3-10184529-A-G.
Other names: c.423A>G, p.Ala141= (NM_001354723.2); c.340+658A>G (NM_198156.3).
Identifiers: ClinVar variation 2946616 (VCV002946616.3), dbSNP rs2470160007, ClinGen allele CA2740090916.
Genomic context (GRCh38, chr3:10,142,845, plus strand): 5'-GTTCTGCGTAGTCCCTGCCCTCGTGGAGAACACATTCCTCCTGGGGAGACTGACAGATGC[A>G]AAGACAGGAACAAGCCAGGGTCATGTTGGCGCCGGAAGAGCCGACCGTGTGTGGCGTGGG-3'

ClinVar aggregate classification (germline): Uncertain significance (1 of 4 stars; one submission).

Conditions:
Von Hippel-Lindau syndrome (VHLS). Also called: von Hippel–Lindau syndrome; VHL syndrome; Von Hippel-Lindau. Identifiers: Orphanet 892, MedGen C0019562, MONDO:0008667, OMIM 193300. Disease mechanism: loss of function.
Chuvash polycythemia. Also called: POLYCYTHEMIA, VHL-DEPENDENT. Identifiers: Orphanet 238557, MedGen C1837915, MONDO:0009892, OMIM 263400.

Submission:

Labcorp Genetics (formerly Invitae), Labcorp
Classification: Uncertain significance for Von Hippel-Lindau syndrome; Chuvash polycythemia. Last evaluated: 2023-07-16. Review status: criteria provided, single submitter. Criteria: Invitae Variant Classification Sherloc (09022015). Collection method: clinical testing. Allele origin: germline.
Comment: In summary, the available evidence is currently insufficient to determine the role of this variant in disease. Therefore, it has been classified as a Variant of Uncertain Significance. Algorithms developed to predict the effect of sequence changes on RNA splicing suggest that this variant is not likely to affect RNA splicing. This variant has not been reported in the literature in individuals affected with VHL-related conditions. This variant is not present in population databases (gnomAD no frequency). This sequence change falls in intron 1 of the VHL gene. It is not expected to change the encoded amino acid sequence of the VHL protein. However, this sequence change falls within a cryptic exon in the VHL gene, known as exon E1’, which is naturally expressed at low levels in several human tissues (PMID: 29891534).

Literature cited by the submitters: PubMed 29891534.